The following is an entry in ClinVar:

ClinVar aggregate classification (germline): Conflicting classifications of pathogenicity. Review status: criteria provided, conflicting classifications (1 of 4 stars). 3 submissions from 3 submitters: Uncertain significance (2); Likely benign (1). Last evaluated 2025-11-05.

Conditions:
Hereditary cancer-predisposing syndrome. Also called: Hereditary Cancer Syndrome; Tumor predisposition; Hereditary neoplastic syndrome; Neoplastic Syndromes, Hereditary. Identifiers: Orphanet 140162, MedGen C0027672, MeSH D009386, MONDO:0015356.
Gorlin syndrome. Also called: Nevoid Basal Cell Carcinoma Syndrome; Basal cell nevus syndrome. Identifiers: Orphanet 377, MedGen C0004779, MONDO:0007187.

Allele frequency attached by ClinVar (database versions not stated): gnomAD exomes 0.00001; TOPMed 0.00001; 1000 Genomes Project 0.00020; 1000 Genomes Project 30x 0.00016; ExAC 0.00001; gnomAD 0.00001.
gnomAD v4.1: 1 of 1,614,128 alleles (0.000062%); highest among the groups gnomAD compares: Non-Finnish European, 0.000085%; no homozygotes.

Submissions (3):

Labcorp Genetics (formerly Invitae), Labcorp
Classification: Likely benign for Gorlin syndrome. Last evaluated: 2025-11-05. Review status: criteria provided, single submitter. Criteria: Invitae Variant Classification Sherloc (09022015). Collection method: clinical testing. Allele origin: germline.

Dasa
Classification: Uncertain significance. Last evaluated: 2025-07-01. Review status: criteria provided, single submitter. Criteria: DASA Assertion Criteria. Collection method: clinical testing. Allele origin: germline.
Comment: NM_000264.5(PTCH1):c.545C>T (p.Ala182Val) is a missense variant that results in the substitution of alanine with valine. This variant is rare in population databases. The currently available literature and clinical evidence are not sufficient to establish a definitive association between this variant and the reported condition. Therefore, this variant is classified as a variant of uncertain significance.

Ambry Genetics
Classification: Uncertain significance for Hereditary cancer-predisposing syndrome. Last evaluated: 2025-04-04. Review status: criteria provided, single submitter. Criteria: Ambry Variant Classification Scheme 2023. Collection method: clinical testing. Allele origin: germline.
Comment: The p.A182V variant (also known as c.545C>T), located in coding exon 3 of the PTCH1 gene, results from a C to T substitution at nucleotide position 545. The alanine at codon 182 is replaced by valine, an amino acid with similar properties. This amino acid position is conserved. In addition, the in silico prediction for this alteration is inconclusive. Since supporting evidence is limited at this time, the clinical significance of this alteration remains unclear.

NM_000264.5(PTCH1):c.545C>T (p.Ala182Val)

Gene: PTCH1 (patched 1; minus strand). Cytogenetic location: 9q22.32.
Variant type: single nucleotide variant.
Coding change: c.545C>T on transcript NM_000264.5 (MANE Select); coding-DNA position 545, C replaced by T.
Protein change: p.Ala182Val; replaces alanine 182 with valine.
Molecular consequence: missense variant. On other transcripts: non-coding transcript variant (1).
Genome position (GRCh38, 1-based): chr9:95,485,724, G>A on the plus strand (C>T on the coding strand, the complement: PTCH1 is on the minus strand). VCF-style: chr9-95485724-G-A. GRCh37 (hg19) VCF-style: chr9-98248006-G-A.
Other names: c.347C>T, p.Ala116Val (NM_001083602.3, NM_001354919.2); c.542C>T, p.Ala181Val (NM_001083603.3); c.92C>T, p.Ala31Val (NM_001083604.3, NM_001083605.3, NM_001083606.3 and 1 more transcripts); c.545C>T, p.Ala182Val (NM_001354918.2); short protein forms A116V, A182V, A181V, A31V.
Identifiers: ClinVar variation 453901 (VCV000453901.17), dbSNP rs567721919, ClinGen allele CA5138926.
Genomic context (GRCh38, chr9:95,485,724, plus strand): 5'-GGTGGACGCGGCGGGCCTTACCTGTTGTACATGTATACATGGACACGGCTGGCCTGGAGT[G>A]CCGAGTCCAGGTGTTGTAGGAGCGCTTCTGTGGTCAGGACATTAGCACCTTCTTCTTTAG-3'
Protein context (NP_000255.2, residues 172-192): TEALLQHLDS[Ala182Val]LQASRVHVYM